The following is an entry in ClinVar:

NM_001253852.3(AP4B1):c.219C>A (p.Cys73Ter)

Gene: AP4B1 (adaptor related protein complex 4 subunit beta 1; minus strand). Cytogenetic location: 1p13.2.
Variant type: single nucleotide variant.
Coding change: c.219C>A on transcript NM_001253852.3 (MANE Select); coding-DNA position 219, C replaced by A.
Protein change: p.Cys73Ter; replaces cysteine 73 with a stop codon.
Molecular consequence: nonsense. On other transcripts: intron variant (2).
Genome position (GRCh38, 1-based): chr1:113,902,757, G>T on the plus strand (C>A on the coding strand, the complement: AP4B1 is on the minus strand). VCF-style: chr1-113902757-G-T. GRCh37 (hg19) VCF-style: chr1-114445379-G-T.
Other names: c.219C>A, p.Cys73Ter (NM_006594.5); c.-56-23C>A (NM_001253853.3); c.113+1848C>A (NM_001308312.2); short protein forms C73*.
Identifiers: ClinVar variation 1526026 (VCV001526026.1), dbSNP rs2101044378, ClinGen allele CA341691508.

ClinVar aggregate classification (germline): Pathogenic (1 of 4 stars; one submission).

Conditions:
Hereditary spastic paraplegia 47. Also called: adaptor protein 4 (AP-4) deficiency syndrome; Spastic paraplegia 47, autosomal recessive; CEREBRAL PALSY, SPASTIC QUADRIPLEGIC, 5. Identifiers: Orphanet 280763, MedGen C3279738, MONDO:0013551, OMIM 614066.

Submission:

3billion
Classification: Pathogenic for Hereditary spastic paraplegia 47. Last evaluated: 2022-03-22. Review status: criteria provided, single submitter. Criteria: ACMG Guidelines, 2015. Collection method: clinical testing. Allele origin: germline. Affected: yes. Observed: 1 homozygote.
Comment: Stop-gained (nonsense): predicted to result in a loss or disruption of normal protein function through nonsense-mediated decay (NMD) or protein truncation. Multiple pathogenic variants are reported downstream of the variant.It is not observed in the gnomAD v2.1.1 dataset. Therefore, this variant is classified as pathogenic according to the recommendation of ACMG/AMP guideline.